The following is an entry in ClinVar:

ClinVar aggregate classification (germline): Uncertain significance. Review status: criteria provided, multiple submitters, no conflicts (2 of 4 stars). 2 submissions from 2 submitters: Uncertain significance (2). Last evaluated 2023-09-26.

Conditions:
Hereditary cancer-predisposing syndrome. Also called: Neoplastic Syndromes, Hereditary; Tumor predisposition; Hereditary Cancer Syndrome; Hereditary neoplastic syndrome. Identifiers: Orphanet 140162, MedGen C0027672, MeSH D009386, MONDO:0015356.
Hereditary nonpolyposis colorectal neoplasms. Identifiers: MedGen C0009405, MeSH D003123.

gnomAD v4.1: 1 of 1,614,066 alleles (0.000062%); highest among the groups gnomAD compares: Non-Finnish European, 0.000085%; no homozygotes.

Submissions (2):

Ambry Genetics
Classification: Uncertain significance for Hereditary cancer-predisposing syndrome. Last evaluated: 2023-09-26. Review status: criteria provided, single submitter. Criteria: Ambry Variant Classification Scheme 2023. Collection method: clinical testing. Allele origin: germline.
Comment: The p.R901G variant (also known as c.2701C>G), located in coding exon 4 of the MSH6 gene, results from a C to G substitution at nucleotide position 2701. The arginine at codon 901 is replaced by glycine, an amino acid with dissimilar properties. This amino acid position is not well conserved in available vertebrate species. In addition, the in silico prediction for this alteration is inconclusive. Since supporting evidence is limited at this time, the clinical significance of this alteration remains unclear.

Labcorp Genetics (formerly Invitae), Labcorp
Classification: Uncertain significance for Hereditary nonpolyposis colorectal neoplasms. Last evaluated: 2019-12-23. Review status: criteria provided, single submitter. Criteria: Invitae Variant Classification Sherloc (09022015). Collection method: clinical testing. Allele origin: germline.
Comment: In summary, the available evidence is currently insufficient to determine the role of this variant in disease. Therefore, it has been classified as a Variant of Uncertain Significance. Algorithms developed to predict the effect of missense changes on protein structure and function are either unavailable or do not agree on the potential impact of this missense change (SIFT: "Deleterious"; PolyPhen-2: "Benign"; Align-GVGD: "Class C15"). This variant has not been reported in the literature in individuals with MSH6-related conditions. ClinVar contains an entry for this variant (Variation ID: 483855). This variant is not present in population databases (ExAC no frequency). This sequence change replaces arginine with glycine at codon 901 of the MSH6 protein (p.Arg901Gly). The arginine residue is moderately conserved and there is a moderate physicochemical difference between arginine and glycine.

NM_000179.3(MSH6):c.2701C>G (p.Arg901Gly)

Gene: MSH6 (mutS homolog 6; plus strand). Cytogenetic location: 2p16.3.
Variant type: single nucleotide variant.
Coding change: c.2701C>G on transcript NM_000179.3 (MANE Select); coding-DNA position 2701, C replaced by G.
Protein change: p.Arg901Gly; replaces arginine 901 with glycine.
Molecular consequence: missense variant.
Genome position (GRCh38, 1-based): chr2:47,800,684, C>G. VCF-style: chr2-47800684-C-G. GRCh37 (hg19) VCF-style: chr2-48027823-C-G.
Other names: c.2311C>G, p.Arg771Gly (NM_001281492.2); c.1795C>G, p.Arg599Gly (NM_001281493.2, NM_001281494.2); short protein forms R901G, R599G, R771G.
Identifiers: ClinVar variation 483855 (VCV000483855.16), dbSNP rs772514245, ClinGen allele CA346755320.